The following is an entry in ClinVar:

NM_002335.4(LRP5):c.2513G>A (p.Arg838Gln)

Gene: LRP5 (LDL receptor related protein 5; plus strand). Cytogenetic location: 11q13.2.
Variant type: single nucleotide variant.
Coding change: c.2513G>A on transcript NM_002335.4 (MANE Select); coding-DNA position 2513, G replaced by A.
Protein change: p.Arg838Gln; replaces arginine 838 with glutamine.
Molecular consequence: missense variant.
Genome position (GRCh38, 1-based): chr11:68,413,698, G>A. VCF-style: chr11-68413698-G-A. GRCh37 (hg19) VCF-style: chr11-68181166-G-A.
Other names: c.770G>A, p.Arg257Gln (NM_001291902.2); c.2513G>A (NM_002335.2); short protein forms R838Q, R257Q.
Identifiers: ClinVar variation 961371 (VCV000961371.14), dbSNP rs559129140, ClinGen allele CA6149673.

ClinVar aggregate classification (germline): Uncertain significance. Review status: criteria provided, multiple submitters, no conflicts (2 of 4 stars). 5 submissions from 5 submitters: Uncertain significance (5). Last evaluated 2026-03-09.

Conditions:
Worth disease. Also called: Autosomal dominant osteosclerosis, Worth type; OSTEOSCLEROSIS, AUTOSOMAL DOMINANT; ENDOSTEAL HYPEROSTOSIS, AUTOSOMAL DOMINANT. Identifiers: Orphanet 2790, MedGen C0432273, MONDO:0007764, OMIM 144750.
Bone mineral density quantitative trait locus 1 (BMND1). Identifiers: MedGen C1866079, OMIM 601884.
Osteoporosis with pseudoglioma (OPPG). Also called: osteoporosis-pseudoglioma syndrome. Identifiers: Orphanet 2788, MedGen C0432252, MONDO:0009820, OMIM 259770.
Osteoporosis. Identifiers: MedGen C0029456, MONDO:0005298, OMIM 166710, HP:0000939.
Exudative vitreoretinopathy 4 (EVR4). Identifiers: Orphanet 891, MedGen C1866176, MONDO:0011151, OMIM 601813.
Polycystic liver disease 4 with or without kidney cysts. Identifiers: MedGen C4693479, MONDO:0044327, OMIM 617875.
Autosomal dominant osteopetrosis 1 (OPTA1). Also called: OSTEOPETROSIS, AUTOSOMAL DOMINANT, TYPE I. Identifiers: Orphanet 2783, MedGen C1843330, MONDO:0011877, OMIM 607634.
Exudative vitreoretinopathy 1 (EVR1). Also called: FEVR, AUTOSOMAL DOMINANT; Familial exudative vitreoretinopathy, autosomal dominant; CRISWICK-SCHEPENS SYNDROME. Identifiers: Orphanet 891, Orphanet 90050, MedGen C1851402, MONDO:0007589, OMIM 133780.
Inborn genetic diseases. Identifiers: MedGen C0950123, MeSH D030342.

Allele frequency attached by ClinVar (database versions not stated): gnomAD exomes 0.00014 and 0.00007; gnomAD 0.00004 and below 0.00001; 1000 Genomes Project 0.00020; 1000 Genomes Project 30x 0.00016; ExAC 0.00016.
gnomAD v4.1: 112 of 1,613,740 alleles (0.0069%); highest among the groups gnomAD compares: South Asian, 0.12%; 1 homozygote.

Submissions (5):

Ambry Genetics
Classification: Uncertain significance for Inborn genetic diseases. Last evaluated: 2026-03-09. Review status: criteria provided, single submitter. Criteria: Ambry Variant Classification Scheme 2023. Collection method: clinical testing. Allele origin: germline.

GeneDx
Classification: Uncertain significance. Last evaluated: 2024-07-23. Review status: criteria provided, single submitter. Criteria: GeneDx Variant Classification Process June 2021. Collection method: clinical testing. Allele origin: germline. Affected: yes.
Comment: In silico analysis indicates that this missense variant does not alter protein structure/function; Has not been previously published as pathogenic or benign to our knowledge

Blueprint Genetics
Classification: Uncertain significance. Last evaluated: 2024-05-06. Review status: criteria provided, single submitter. Criteria: ACMG Guidelines, 2015. Collection method: clinical testing. Allele origin: germline.

Labcorp Genetics (formerly Invitae), Labcorp
Classification: Uncertain significance. Last evaluated: 2023-12-27. Review status: criteria provided, single submitter. Criteria: Invitae Variant Classification Sherloc (09022015). Collection method: clinical testing. Allele origin: germline.
Comment: This sequence change replaces arginine, which is basic and polar, with glutamine, which is neutral and polar, at codon 838 of the LRP5 protein (p.Arg838Gln). This variant is present in population databases (rs559129140, gnomAD 0.1%). This variant has not been reported in the literature in individuals affected with LRP5-related conditions. ClinVar contains an entry for this variant (Variation ID: 961371). Advanced modeling of protein sequence and biophysical properties (such as structural, functional, and spatial information, amino acid conservation, physicochemical variation, residue mobility, and thermodynamic stability) has been performed at Invitae for this missense variant, however the output from this modeling did not meet the statistical confidence thresholds required to predict the impact of this variant on LRP5 protein function. In summary, the available evidence is currently insufficient to determine the role of this variant in disease. Therefore, it has been classified as a Variant of Uncertain Significance.

Fulgent Genetics
Classification: Uncertain significance for Exudative vitreoretinopathy 1; Worth disease; Osteoporosis; Osteoporosis with pseudoglioma; Exudative vitreoretinopathy 4; Bone mineral density quantitative trait locus 1; Autosomal dominant osteopetrosis 1; Polycystic liver disease 4 with or without kidney cysts. Last evaluated: 2022-02-23. Review status: criteria provided, single submitter. Criteria: ACMG Guidelines, 2015. Collection method: clinical testing. Allele origin: unknown.